The following is an entry in ClinVar:

NM_005144.5(HR):c.3064A>G (p.Thr1022Ala)

Gene: HR (HR lysine demethylase and nuclear receptor corepressor; minus strand). Cytogenetic location: 8p21.3.
Variant type: single nucleotide variant.
Coding change: c.3064A>G on transcript NM_005144.5 (MANE Select); coding-DNA position 3064, A replaced by G.
Protein change: p.Thr1022Ala; replaces threonine 1022 with alanine.
Molecular consequence: missense variant.
Genome position (GRCh38, 1-based): chr8:22,119,197, T>C on the plus strand (A>G on the coding strand, the complement: HR is on the minus strand). VCF-style: chr8-22119197-T-C. GRCh37 (hg19) VCF-style: chr8-21976710-T-C.
Other names: c.3064A>G, p.Thr1022Ala (NM_018411.4); short protein forms T1022A.
Identifiers: ClinVar variation 7330 (VCV000007330.13), dbSNP rs7014851, ClinGen allele CA210692.

ClinVar aggregate classification (germline): Benign. Review status: criteria provided, multiple submitters, no conflicts (2 of 4 stars). 7 submissions from 6 submitters: Benign (5). 2 of the submissions do not count toward it. Last evaluated 2026-02-02.

Conditions:
HR-related disorder. Also called: HR-related disorders; HR-related condition. Identifiers: MedGen CN239293.
Alopecia universalis congenita (ALUNC). Also called: ATRICHIA, GENERALIZED. Identifiers: Orphanet 701, MedGen C1859877, MONDO:0008757, OMIM 203655.
Atrichia with papular lesions (APL). Also called: PAPULAR ATRICHIA. Identifiers: Orphanet 86819, MedGen C1859592, MONDO:0008847, OMIM 209500.

Allele frequency attached by ClinVar (database versions not stated): gnomAD exomes 0.02049 and 0.03087; ExAC 0.03468; 1000 Genomes Project 0.07827; gnomAD 0.08204 and 0.08773; 1000 Genomes Project 30x 0.08260; TOPMed 0.09372.
gnomAD v4.1: 43,064 of 1,613,788 alleles (2.7%); highest among the groups gnomAD compares: African/African-American, 25%; 2,682 homozygotes.

Submissions (7):

Labcorp Genetics (formerly Invitae), Labcorp
Classification: Benign. Last evaluated: 2026-02-02. Review status: criteria provided, single submitter. Criteria: Invitae Variant Classification Sherloc (09022015). Collection method: clinical testing. Allele origin: germline.

GeneDx
Classification: Benign. Last evaluated: 2018-07-28. Review status: criteria provided, single submitter. Criteria: GeneDx Variant Classification Process June 2021. Collection method: clinical testing. Allele origin: germline. Affected: yes.
Comment: This variant is associated with the following publications: (PMID: 9736769, 10594736, 20981092, 9445480, 27884173, 17609203)

Illumina Laboratory Services, Illumina
Classification: Benign for Alopecia universalis congenita. Last evaluated: 2018-03-06. Review status: criteria provided, single submitter. Criteria: ICSL Variant Classification Criteria 13 December 2019. Collection method: clinical testing. Allele origin: germline.
Comment: This variant was observed in the ICSL laboratory as part of a predisposition screen in an ostensibly healthy population. It had not been previously curated by ICSL or reported in the Human Gene Mutation Database (HGMD: prior to June 1st, 2018), and was therefore a candidate for classification through an automated scoring system. Utilizing variant allele frequency, disease prevalence and penetrance estimates, and inheritance mode, an automated score was calculated to assess if this variant is too frequent to cause the disease. Based on the score and internal cut-off values, a variant classified as benign is not then subjected to further curation. The score for this variant resulted in a classification of benign for this disease.

Illumina Laboratory Services, Illumina
Classification: Benign for Atrichia with papular lesions. Last evaluated: 2018-03-06. Review status: criteria provided, single submitter. Criteria: ICSL Variant Classification Criteria 13 December 2019. Collection method: clinical testing. Allele origin: germline.
Comment: the same text as in the submission from Illumina Laboratory Services, Illumina above.

Breakthrough Genomics
Classification: Benign. Review status: criteria provided, single submitter. Criteria: ACMG Guidelines, 2015. Collection method: not provided. Allele origin: germline. Inheritance: Autosomal recessive inheritance. Affected: yes.

PreventionGenetics, part of Exact Sciences
Classification: Benign for HR-related condition. Last evaluated: 2019-11-06. Review status: no assertion criteria provided. Collection method: clinical testing. Allele origin: germline. Not counted in ClinVar's aggregate classification.
Comment: This variant is classified as benign based on ACMG/AMP sequence variant interpretation guidelines (Richards et al. 2015 PMID: 25741868, with internal and published modifications).

OMIM
Classification: Uncertain significance for RECLASSIFIED - VARIANT OF UNKNOWN SIGNIFICANCE. Last evaluated: 1998-10-01. Review status: no assertion criteria provided. Collection method: literature only. Allele origin: germline. Not counted in ClinVar's aggregate classification.

Literature cited by the submitters: PubMed 9736769 (cited by OMIM); PubMed 9445480 (cited by OMIM); PubMed 8790387 (cited by OMIM).